The following is an entry in ClinVar:

ClinVar aggregate classification (germline): Uncertain significance. Review status: criteria provided, multiple submitters, no conflicts (2 of 4 stars). 2 submissions from 2 submitters: Uncertain significance (2). Last evaluated 2025-03-18.

Conditions:
Inborn genetic diseases. Identifiers: MedGen C0950123, MeSH D030342.

Allele frequency attached by ClinVar (database versions not stated): TOPMed below 0.00001; gnomAD 0.00001; ExAC 0.00002; gnomAD exomes 0.00002; 1000 Genomes Project 30x 0.00016; 1000 Genomes Project 0.00020.
gnomAD v4.1: 23 of 1,613,212 alleles (0.0014%); highest among the groups gnomAD compares: East Asian, 0.0022%; no homozygotes.

Submissions (2):

Ambry Genetics
Classification: Uncertain significance for Inborn genetic diseases. Last evaluated: 2025-03-18. Review status: criteria provided, single submitter. Criteria: Ambry Variant Classification Scheme 2023. Collection method: clinical testing. Allele origin: germline.

Labcorp Genetics (formerly Invitae), Labcorp
Classification: Uncertain significance. Last evaluated: 2022-06-18. Review status: criteria provided, single submitter. Criteria: Invitae Variant Classification Sherloc (09022015). Collection method: clinical testing. Allele origin: germline.
Comment: Algorithms developed to predict the effect of missense changes on protein structure and function are either unavailable or do not agree on the potential impact of this missense change (SIFT: "Deleterious"; PolyPhen-2: "Probably Damaging"; Align-GVGD: "Class C0"). This variant has not been reported in the literature in individuals affected with DOCK6-related conditions. This variant is present in population databases (rs140032702, gnomAD 0.007%). This sequence change replaces alanine, which is neutral and non-polar, with threonine, which is neutral and polar, at codon 1481 of the DOCK6 protein (p.Ala1481Thr). In summary, the available evidence is currently insufficient to determine the role of this variant in disease. Therefore, it has been classified as a Variant of Uncertain Significance.

NM_020812.4(DOCK6):c.4441G>A (p.Ala1481Thr)

Genes: DOCK6 (dedicator of cytokinesis 6; minus strand), DOCK6-AS1 (DOCK6 antisense RNA 1; plus strand). Cytogenetic location: 19p13.2.
Variant type: single nucleotide variant.
Coding change: c.4441G>A on transcript NM_020812.4 (MANE Select); coding-DNA position 4441, G replaced by A.
Protein change: p.Ala1481Thr; replaces alanine 1481 with threonine.
Molecular consequence: missense variant.
Genome position (GRCh38, 1-based): chr19:11,213,226, C>T on the plus strand (G>A on the coding strand, the complement: DOCK6 is on the minus strand). VCF-style: chr19-11213226-C-T. GRCh37 (hg19) VCF-style: chr19-11323902-C-T.
Other names: c.4546G>A, p.Ala1516Thr (NM_001367830.1); c.4441G>A (NM_020812.2); short protein forms A1516T, A1481T.
Identifiers: ClinVar variation 2151318 (VCV002151318.5), dbSNP rs140032702, ClinGen allele CA9206856.